The following is an entry in ClinVar:

ClinVar aggregate classification (germline): Conflicting classifications of pathogenicity. Review status: criteria provided, conflicting classifications (1 of 4 stars). 6 submissions from 6 submitters: Uncertain significance (2); Benign (1); Likely benign (3). Last evaluated 2026-07-01.

Conditions:
TBXA2R-related disorder. Also called: TBXA2R-related condition.

Allele frequency attached by ClinVar (database versions not stated): ESP Exome Variant Server 0.00033; TOPMed 0.00093; 1000 Genomes Project 30x 0.00125; 1000 Genomes Project 0.00160.
gnomAD v4.1: 231 of 1,602,478 alleles (0.014%); highest among the groups gnomAD compares: African/African-American, 0.27%; 1 homozygote.

Submissions (6):

CeGaT Center for Human Genetics Tuebingen
Classification: Likely benign. Last evaluated: 2026-07-01. Review status: criteria provided, single submitter. Criteria: CeGaT Center For Human Genetics Tuebingen Variant Classification Criteria Version 2. Collection method: clinical testing. Allele origin: germline. Affected: yes. Observed: 1 variant allele.
Comment: TBXA2R: BS1

Women's Health and Genetics/Laboratory Corporation of America, LabCorp
Classification: Likely benign. Last evaluated: 2026-06-18. Review status: criteria provided, single submitter. Criteria: LabCorp Variant Classification Summary - May 2015. Collection method: clinical testing. Allele origin: germline.
Comment: Variant summary: TBXA2R c.478G>A (p.Ala160Thr) results in a non-conservative amino acid change in the encoded protein sequence. Algorithms developed to predict the effect of missense changes on protein structure and function are either unavailable or do not agree on the potential impact of this missense change. The variant allele was found at a frequency of 0.00019 in 217952 control chromosomes, predominantly at a frequency of 0.003 within the African or African-American subpopulation in the gnomAD database, including 1 homozygotes. The observed variant frequency within African or African-American control individuals in the gnomAD database exceeds the estimated maximal expected allele frequency for disease-causing variants in TBXA2R. To our knowledge, no occurrence of c.478G>A in individuals affected with TBXA2R-related conditions has been reported. Publications report experimental evidence evaluating an impact on protein function, however, does not allow convincing conclusions about the variant effect Xu_2013, Gleim_2013, Chakrabort_2012). The following publications have been ascertained in the context of this evaluation (PMID: 22272267, 23840660, 24086743). ClinVar contains an entry for this variant (Variation ID: 2067213). Based on the evidence outlined above, the variant was classified as likely benign.

Labcorp Genetics (formerly Invitae), Labcorp
Classification: Likely benign. Last evaluated: 2026-02-01. Review status: criteria provided, single submitter. Criteria: Invitae Variant Classification Sherloc (09022015). Collection method: clinical testing. Allele origin: germline.

PreventionGenetics, part of Exact Sciences
Classification: Benign for TBXA2R-related condition. Last evaluated: 2025-05-13. Review status: criteria provided, single submitter. Criteria: ACMG Guidelines, 2015. Collection method: clinical testing. Allele origin: germline.
Comment: This variant is classified as benign based on ACMG/AMP sequence variant interpretation guidelines (Richards et al. 2015 PMID: 25741868, with internal and published modifications).

GeneDx
Classification: Uncertain significance. Last evaluated: 2024-11-18. Review status: criteria provided, single submitter. Criteria: GeneDx Variant Classification Process June 2021. Collection method: clinical testing. Allele origin: germline. Affected: yes.
Comment: Published functional studies suggest p.(A160T) increased affinity of the antagonist for binding-competent receptors, decreased GTP binding activity, and resulted in constitutive activity in vitro (PMID: 23840660); In silico analysis indicates that this missense variant does not alter protein structure/function; This variant is associated with the following publications: (PMID: 24086743, 22272267, 23840660)

Blueprint Genetics
Classification: Uncertain significance. Last evaluated: 2024-07-04. Review status: criteria provided, single submitter. Criteria: ACMG Guidelines, 2015. Collection method: clinical testing. Allele origin: germline.

Literature cited by the submitters: PubMed 22272267 (cited by Women's Health and Genetics/Laboratory Corporation of America, LabCorp); PubMed 23840660 (cited by Women's Health and Genetics/Laboratory Corporation of America, LabCorp); PubMed 24086743 (cited by Women's Health and Genetics/Laboratory Corporation of America, LabCorp).

NM_001060.6(TBXA2R):c.478G>A (p.Ala160Thr)

Gene: TBXA2R (thromboxane A2 receptor; minus strand). Cytogenetic location: 19p13.3.
Variant type: single nucleotide variant.
Coding change: c.478G>A on transcript NM_001060.6 (MANE Select); coding-DNA position 478, G replaced by A.
Protein change: p.Ala160Thr; replaces alanine 160 with threonine.
Molecular consequence: missense variant.
Genome position (GRCh38, 1-based): chr19:3,600,157, C>T on the plus strand (G>A on the coding strand, the complement: TBXA2R is on the minus strand). VCF-style: chr19-3600157-C-T. GRCh37 (hg19) VCF-style: chr19-3600155-C-T.
Other names: c.478G>A, p.Ala160Thr (NM_201636.3); c.478G>A (NM_201636.2); short protein forms A160T.
Identifiers: ClinVar variation 2067213 (VCV002067213.10), dbSNP rs5749, ClinGen allele CA9080843.